The following is an entry in ClinVar:

NM_007098.4(CLTCL1):c.1721G>A (p.Arg574His)

Gene: CLTCL1 (clathrin heavy chain like 1; minus strand). Cytogenetic location: 22q11.21.
Variant type: single nucleotide variant.
Coding change: c.1721G>A on transcript NM_007098.4 (MANE Select); coding-DNA position 1721, G replaced by A.
Protein change: p.Arg574His; replaces arginine 574 with histidine.
Molecular consequence: missense variant.
Genome position (GRCh38, 1-based): chr22:19,229,899, C>T on the plus strand (G>A on the coding strand, the complement: CLTCL1 is on the minus strand). VCF-style: chr22-19229899-C-T. GRCh37 (hg19) VCF-style: chr22-19217422-C-T.
Other names: p.Arg574His; c.1721G>A, p.Arg574His (NM_001835.4); short protein forms R574H.
Identifiers: ClinVar variation 788667 (VCV000788667.29), dbSNP rs45489597, ClinGen allele CA10098581.

ClinVar aggregate classification (germline): Benign/Likely benign. Review status: criteria provided, multiple submitters, no conflicts (2 of 4 stars). 3 submissions from 3 submitters: Benign (1); Likely benign (2). Last evaluated 2025-05-22.

Allele frequency attached by ClinVar (database versions not stated): 1000 Genomes Project 30x 0.00094; 1000 Genomes Project 0.00100; ESP Exome Variant Server 0.00147; TOPMed 0.00176; gnomAD 0.00275 and 0.00280; gnomAD exomes 0.00307 and 0.00311; ExAC 0.00348.
gnomAD v4.1: 4,927 of 1,611,190 alleles (0.31%); highest among the groups gnomAD compares: Non-Finnish European, 0.33%; 17 homozygotes.

Submissions (3):

Mayo Clinic Laboratories, Mayo Clinic
Classification: Likely benign. Last evaluated: 2025-05-22. Review status: criteria provided, single submitter. Criteria: ACMG Guidelines, 2015. Collection method: clinical testing. Allele origin: germline. Observed: 3 variant alleles.
Comment: BS2, BP4_moderate

CeGaT Center for Human Genetics Tuebingen
Classification: Likely benign. Last evaluated: 2022-04-01. Review status: criteria provided, single submitter. Criteria: CeGaT Center For Human Genetics Tuebingen Variant Classification Criteria Version 2. Collection method: clinical testing. Allele origin: germline. Affected: yes. Observed: 1 variant allele.
Comment: CLTCL1: BP4

Labcorp Genetics (formerly Invitae), Labcorp
Classification: Benign. Last evaluated: 2019-12-31. Review status: criteria provided, single submitter. Criteria: Invitae Variant Classification Sherloc (09022015). Collection method: clinical testing. Allele origin: germline.